The following is an entry in ClinVar:

ClinVar aggregate classification (germline): Conflicting classifications of pathogenicity. Review status: criteria provided, conflicting classifications (1 of 4 stars). 4 submissions from 4 submitters: Uncertain significance (3); Likely benign (1). Last evaluated 2025-12-26.

Conditions:
Dilated cardiomyopathy 1G (CMD1G). Identifiers: Orphanet 154, MedGen C1858763, MONDO:0011400, OMIM 604145.
Autosomal recessive limb-girdle muscular dystrophy type 2J (LGMDR10). Also called: MUSCULAR DYSTROPHY, LIMB-GIRDLE, AUTOSOMAL RECESSIVE 10; Limb-girdle muscular dystrophy, type 2J. Identifiers: Orphanet 140922, MedGen C1837342, MONDO:0012127, OMIM 608807.

Allele frequency attached by ClinVar (database versions not stated): gnomAD exomes below 0.00001; TOPMed below 0.00001; gnomAD 0.00001.
gnomAD v4.1: 3 of 1,613,456 alleles (0.00019%); highest among the groups gnomAD compares: Non-Finnish European, 0.00025%; no homozygotes.

Submissions (4):

Women's Health and Genetics/Laboratory Corporation of America, LabCorp
Classification: Uncertain significance. Last evaluated: 2025-12-26. Review status: criteria provided, single submitter. Criteria: LabCorp Variant Classification Summary - May 2015. Collection method: clinical testing. Allele origin: germline.

Mayo Clinic Laboratories, Mayo Clinic
Classification: Likely benign. Last evaluated: 2025-12-06. Review status: criteria provided, single submitter. Criteria: ACMG Guidelines, 2015. Collection method: clinical testing. Allele origin: germline. Observed: 1 variant allele.
Comment: BP1, BP4

Labcorp Genetics (formerly Invitae), Labcorp
Classification: Uncertain significance for Dilated cardiomyopathy 1G; Autosomal recessive limb-girdle muscular dystrophy type 2J. Last evaluated: 2017-05-22. Review status: criteria provided, single submitter. Criteria: Invitae Variant Classification Sherloc (09022015). Collection method: clinical testing. Allele origin: germline.

GeneDx
Classification: Uncertain significance. Last evaluated: 2014-09-05. Review status: criteria provided, single submitter. Criteria: GeneDx Variant Classification (06012015). Collection method: clinical testing. Allele origin: germline. Affected: yes.
Comment: Missense variants in the TTN gene are considered 'unclassified' if they are not previously reported in the literature and do not have >1% frequency in the population to be considered a polymorphism. Research indicates that truncating mutations in the TTN gene are expected to account for approximately 25% of familial and 18% of sporadic idiopathic DCM; however, truncating variants in the TTN gene have been reported in approximately 3% of reported control alleles. There has been little investigation into non-truncating variants. (Herman D et al. Truncations of titin causing dilated cardiomyopathy. N Eng J Med 366:619-628, 2012) The variant is found in CARDIOMYOPATHY panel(s).

NM_001267550.2(TTN):c.70282G>T (p.Val23428Leu)

Genes: TTN-AS1 (TTN antisense RNA 1; plus strand), TTN (titin; minus strand), LOC126806422 (BRD4-independent group 4 enhancer GRCh37_chr2:179440205-179441404; plus strand). Cytogenetic location: 2q31.2.
Variant type: single nucleotide variant.
Coding change: c.70282G>T on transcript NM_001267550.2 (MANE Select); coding-DNA position 70282, G replaced by T.
Protein change: p.Val23428Leu; replaces valine 23428 with leucine.
Molecular consequence: missense variant.
Genome position (GRCh38, 1-based): chr2:178,575,850, C>A on the plus strand (G>T on the coding strand, the complement: TTN is on the minus strand). VCF-style: chr2-178575850-C-A. GRCh37 (hg19) VCF-style: chr2-179440577-C-A.
Other names: p.V21787L:GTG>TTG; p.Val21787Leu; c.65359G>T, p.Val21787Leu (NM_001256850.1); c.43087G>T, p.Val14363Leu (NM_003319.4); c.62578G>T, p.Val20860Leu (NM_133378.4); c.43462G>T, p.Val14488Leu (NM_133432.3); c.43663G>T, p.Val14555Leu (NM_133437.4); short protein forms V21787L, V23428L, V14488L, V14363L, V14555L, V20860L.
Identifiers: ClinVar variation 202823 (VCV000202823.5), dbSNP rs794729486, ClinGen allele CA310397.